The following is an entry in ClinVar:

NM_015559.3(SETBP1):c.1578T>A (p.Phe526Leu)

Gene: SETBP1 (SET binding protein 1; plus strand). Cytogenetic location: 18q12.3.
Variant type: single nucleotide variant.
Coding change: c.1578T>A on transcript NM_015559.3 (MANE Select); coding-DNA position 1578, T replaced by A.
Protein change: p.Phe526Leu; replaces phenylalanine 526 with leucine.
Molecular consequence: missense variant.
Genome position (GRCh38, 1-based): chr18:44,950,918, T>A. VCF-style: chr18-44950918-T-A. GRCh37 (hg19) VCF-style: chr18-42530883-T-A.
Other names: c.1578T>A, p.Phe526Leu (NM_001379141.1, NM_001379142.1, NM_001410862.1); short protein forms F526L.
Identifiers: ClinVar variation 2201165 (VCV002201165.4), dbSNP rs758296793, ClinGen allele CA299697673.

ClinVar aggregate classification (germline): Uncertain significance (1 of 4 stars; one submission).

Allele frequency attached by ClinVar (database versions not stated): gnomAD 0.00001; TOPMed 0.00001.
gnomAD v4.1: 39 of 1,614,026 alleles (0.0024%); highest among the groups gnomAD compares: Non-Finnish European, 0.0032%; no homozygotes.

Submission:

Labcorp Genetics (formerly Invitae), Labcorp
Classification: Uncertain significance. Last evaluated: 2024-06-11. Review status: criteria provided, single submitter. Criteria: Invitae Variant Classification Sherloc (09022015). Collection method: clinical testing. Allele origin: germline.
Comment: This sequence change replaces phenylalanine, which is neutral and non-polar, with leucine, which is neutral and non-polar, at codon 526 of the SETBP1 protein (p.Phe526Leu). This variant is not present in population databases (gnomAD no frequency). This variant has not been reported in the literature in individuals affected with SETBP1-related conditions. ClinVar contains an entry for this variant (Variation ID: 2201165). Advanced modeling of protein sequence and biophysical properties (such as structural, functional, and spatial information, amino acid conservation, physicochemical variation, residue mobility, and thermodynamic stability) performed at Invitae indicates that this missense variant is not expected to disrupt SETBP1 protein function with a negative predictive value of 80%. In summary, the available evidence is currently insufficient to determine the role of this variant in disease. Therefore, it has been classified as a Variant of Uncertain Significance.